The following is an entry in ClinVar:

NM_181426.2(CCDC39):c.550G>A (p.Glu184Lys)

Gene: CCDC39 (coiled-coil domain 39 molecular ruler complex subunit; minus strand). Cytogenetic location: 3q26.33.
Variant type: single nucleotide variant.
Coding change: c.550G>A on transcript NM_181426.2 (MANE Select); coding-DNA position 550, G replaced by A.
Protein change: p.Glu184Lys; replaces glutamic acid 184 with lysine.
Molecular consequence: missense variant.
Genome position (GRCh38, 1-based): chr3:180,659,736, C>T on the plus strand (G>A on the coding strand, the complement: CCDC39 is on the minus strand). VCF-style: chr3-180659736-C-T. GRCh37 (hg19) VCF-style: chr3-180377524-C-T.
Other names: short protein forms E184K.
Identifiers: ClinVar variation 3606624 (VCV003606624.1).

ClinVar aggregate classification (germline): Uncertain significance (1 of 4 stars; one submission).

Conditions:
Primary ciliary dyskinesia. Also called: Ciliary dyskinesia. Identifiers: Orphanet 244, MedGen C0008780, MONDO:0016575, HP:0012265.

gnomAD v4.1: 3 of 1,612,216 alleles (0.00019%); highest among the groups gnomAD compares: Admixed American, 0.0033%; no homozygotes.

Submission:

Labcorp Genetics (formerly Invitae), Labcorp
Classification: Uncertain significance for Primary ciliary dyskinesia. Last evaluated: 2024-05-15. Review status: criteria provided, single submitter. Criteria: Invitae Variant Classification Sherloc (09022015). Collection method: clinical testing. Allele origin: germline.
Comment: This sequence change replaces glutamic acid, which is acidic and polar, with lysine, which is basic and polar, at codon 184 of the CCDC39 protein (p.Glu184Lys). This variant is present in population databases (no rsID available, gnomAD 0.006%). This variant has not been reported in the literature in individuals affected with CCDC39-related conditions. An algorithm developed to predict the effect of missense changes on protein structure and function (PolyPhen-2) suggests that this variant¬†is likely to be tolerated. Algorithms developed to predict the effect of sequence changes on RNA splicing suggest that this variant may disrupt the consensus splice site. In summary, the available evidence is currently insufficient to determine the role of this variant in disease. Therefore, it has been classified as a Variant of Uncertain Significance.